The following is an entry in ClinVar:

NM_017636.4(TRPM4):c.2194G>A (p.Gly732Arg)

Gene: TRPM4 (transient receptor potential cation channel subfamily M member 4; plus strand). Cytogenetic location: 19q13.33.
Variant type: single nucleotide variant.
Coding change: c.2194G>A on transcript NM_017636.4 (MANE Select); coding-DNA position 2194, G replaced by A.
Protein change: p.Gly732Arg; replaces glycine 732 with arginine.
Molecular consequence: missense variant.
Genome position (GRCh38, 1-based): chr19:49,190,757, G>A. VCF-style: chr19-49190757-G-A. GRCh37 (hg19) VCF-style: chr19-49694014-G-A.
Other names: c.2194G>A, p.Gly732Arg (NM_001195227.2); c.1849G>A, p.Gly617Arg (NM_001321281.2); c.586G>A, p.Gly196Arg (NM_001321282.2); c.1672G>A, p.Gly558Arg (NM_001321283.2); c.1132G>A, p.Gly378Arg (NM_001321285.2); c.2194G>A (NM_017636.3); short protein forms G196R, G378R, G558R, G617R, G732R.
Identifiers: ClinVar variation 1060783 (VCV001060783.10), dbSNP rs1460978899, ClinGen allele CA406806331.

ClinVar aggregate classification (germline): Uncertain significance. Review status: criteria provided, multiple submitters, no conflicts (2 of 4 stars). 2 submissions from 2 submitters: Uncertain significance (2). Last evaluated 2024-02-24.

Conditions:
Cardiovascular phenotype. Identifiers: MedGen CN230736.
Progressive familial heart block type IB (PFHB1B). Identifiers: Orphanet 871, MedGen C1970298, MONDO:0011474, OMIM 604559.

Allele frequency attached by ClinVar (database versions not stated): gnomAD exomes below 0.00001 and 0.00001; TOPMed below 0.00001.
gnomAD v4.1: 6 of 1,614,182 alleles (0.00037%); highest among the groups gnomAD compares: East Asian, 0.013%; no homozygotes.

Submissions (2):

Labcorp Genetics (formerly Invitae), Labcorp
Classification: Uncertain significance for Progressive familial heart block type IB. Last evaluated: 2024-02-24. Review status: criteria provided, single submitter. Criteria: Invitae Variant Classification Sherloc (09022015). Collection method: clinical testing. Allele origin: germline.
Comment: This sequence change replaces glycine, which is neutral and non-polar, with arginine, which is basic and polar, at codon 732 of the TRPM4 protein (p.Gly732Arg). This variant is present in population databases (no rsID available, gnomAD 0.006%). This variant has not been reported in the literature in individuals affected with TRPM4-related conditions. ClinVar contains an entry for this variant (Variation ID: 1060783). An algorithm developed to predict the effect of missense changes on protein structure and function (PolyPhen-2) suggests that this variant is likely to be tolerated. In summary, the available evidence is currently insufficient to determine the role of this variant in disease. Therefore, it has been classified as a Variant of Uncertain Significance.

Ambry Genetics
Classification: Uncertain significance for Cardiovascular phenotype. Last evaluated: 2023-12-29. Review status: criteria provided, single submitter. Criteria: Ambry Variant Classification Scheme 2023. Collection method: clinical testing. Allele origin: germline.
Comment: The p.G732R variant (also known as c.2194G>A), located in coding exon 16 of the TRPM4 gene, results from a G to A substitution at nucleotide position 2194. The glycine at codon 732 is replaced by arginine, an amino acid with dissimilar properties. This amino acid position is conserved. In addition, the in silico prediction for this alteration is inconclusive. Since supporting evidence is limited at this time, the clinical significance of this alteration remains unclear.